The following is an entry in ClinVar:

ClinVar aggregate classification (germline): Conflicting classifications of pathogenicity. Review status: criteria provided, conflicting classifications (1 of 4 stars). 6 submissions from 6 submitters: Uncertain significance (1); Benign (2); Likely benign (2). 1 of the submissions does not count toward it. Last evaluated 2026-01-11.

Conditions:
NBEAL2-related disorder. Also called: NBEAL2-related condition.
Gray platelet syndrome (GPS). Also called: BLEEDING DISORDER, PLATELET-TYPE, 4. Identifiers: Orphanet 721, MedGen C0272302, MONDO:0007686, OMIM 139090.

Allele frequency attached by ClinVar (database versions not stated): 1000 Genomes Project 0.00020; 1000 Genomes Project 30x 0.00062; gnomAD 0.00178 and 0.00197; ESP Exome Variant Server 0.00189; TOPMed 0.00198.
gnomAD v4.1: 1,266 of 1,601,694 alleles (0.079%); highest among the groups gnomAD compares: African/African-American, 0.41%; 6 homozygotes.

Submissions (6):

Labcorp Genetics (formerly Invitae), Labcorp
Classification: Benign. Last evaluated: 2026-01-11. Review status: criteria provided, single submitter. Criteria: Invitae Variant Classification Sherloc (09022015). Collection method: clinical testing. Allele origin: germline.

Mayo Clinic Laboratories, Mayo Clinic
Classification: Benign. Last evaluated: 2025-05-16. Review status: criteria provided, single submitter. Criteria: ACMG Guidelines, 2015. Collection method: clinical testing. Allele origin: germline. Observed: 1 variant allele.
Comment: BS1, BS2, PP3

CeGaT Center for Human Genetics Tuebingen
Classification: Likely benign. Last evaluated: 2025-05-01. Review status: criteria provided, single submitter. Criteria: CeGaT Center For Human Genetics Tuebingen Variant Classification Criteria Version 2. Collection method: clinical testing. Allele origin: germline. Affected: yes. Observed: 4 variant alleles.
Comment: NBEAL2: PP3, BS2

Blueprint Genetics
Classification: Likely benign. Last evaluated: 2024-10-25. Review status: criteria provided, single submitter. Criteria: ACMG Guidelines, 2015. Collection method: clinical testing. Allele origin: germline.

Illumina Laboratory Services, Illumina
Classification: Uncertain significance for Gray platelet syndrome. Last evaluated: 2017-04-27. Review status: criteria provided, single submitter. Criteria: ICSL Variant Classification Criteria 13 December 2019. Collection method: clinical testing. Allele origin: germline.

PreventionGenetics, part of Exact Sciences
Classification: Benign for NBEAL2-related condition. Last evaluated: 2019-05-10. Review status: no assertion criteria provided. Collection method: clinical testing. Allele origin: germline. Not counted in ClinVar's aggregate classification.
Comment: This variant is classified as benign based on ACMG/AMP sequence variant interpretation guidelines (Richards et al. 2015 PMID: 25741868, with internal and published modifications).

NM_015175.3(NBEAL2):c.8230G>C (p.Gly2744Arg)

Gene: NBEAL2 (neurobeachin like 2; plus strand). Cytogenetic location: 3p21.31.
Variant type: single nucleotide variant.
Coding change: c.8230G>C on transcript NM_015175.3 (MANE Select); coding-DNA position 8230, G replaced by C.
Protein change: p.Gly2744Arg; replaces glycine 2744 with arginine.
Molecular consequence: missense variant.
Genome position (GRCh38, 1-based): chr3:47,009,285, G>C. VCF-style: chr3-47009285-G-C. GRCh37 (hg19) VCF-style: chr3-47050775-G-C.
Other names: p.Gly2744Arg; c.8128G>C, p.Gly2710Arg (NM_001365116.2); short protein forms G2710R, G2744R.
Identifiers: ClinVar variation 780875 (VCV000780875.36), dbSNP rs201641746, ClinGen allele CA2362394.